The following is an entry in ClinVar:

ClinVar aggregate classification (germline): Likely benign (0 of 4 stars; one submission).

Conditions:
TNFRSF10B-related disorder. Also called: TNFRSF10B-related condition.

Allele frequency attached by ClinVar (database versions not stated): gnomAD exomes 0.00015; 1000 Genomes Project 0.00020; 1000 Genomes Project 30x 0.00031; ExAC 0.00038; gnomAD 0.00079; ESP Exome Variant Server 0.00092; TOPMed 0.00093.
gnomAD v4.1: 346 of 1,611,222 alleles (0.021%); highest among the groups gnomAD compares: African/African-American, 0.24%; 1 homozygote.

Submission:

PreventionGenetics, part of Exact Sciences
Classification: Likely benign for TNFRSF10B-related condition. Last evaluated: 2019-03-21. Review status: no assertion criteria provided. Collection method: clinical testing. Allele origin: germline.
Comment: This variant is classified as likely benign based on ACMG/AMP sequence variant interpretation guidelines (Richards et al. 2015 PMID: 25741868, with internal and published modifications).

NM_003842.5(TNFRSF10B):c.270C>T (p.Asp90=)

Gene: TNFRSF10B (TNF receptor superfamily member 10b; minus strand). Cytogenetic location: 8p21.3.
Variant type: single nucleotide variant.
Coding change: c.270C>T on transcript NM_003842.5 (MANE Select); coding-DNA position 270, C replaced by T.
Protein change: p.Asp90=; no amino-acid change (aspartic acid 90 retained).
Molecular consequence: synonymous variant. On other transcripts: non-coding transcript variant (1).
Genome position (GRCh38, 1-based): chr8:23,030,853, G>A on the plus strand (C>T on the coding strand, the complement: TNFRSF10B is on the minus strand). VCF-style: chr8-23030853-G-A. GRCh37 (hg19) VCF-style: chr8-22888366-G-A.
Other names: c.270C>T, p.Asp90= (NM_147187.3).
Identifiers: ClinVar variation 3051063 (VCV003051063.2), dbSNP rs145675791, ClinGen allele CA4673416.